The following is an entry in ClinVar:

ClinVar aggregate classification (germline): Uncertain significance (1 of 4 stars; one submission).

Submission:

Ambry Genetics
Classification: Uncertain significance. Last evaluated: 2026-08-23. Review status: criteria provided, single submitter. Criteria: Ambry Variant Classification Scheme 2023. Collection method: clinical testing. Allele origin: germline.
Comment: The p.G599E variant (also known as c.1796G>A), located in coding exon 1 of the MLH3 gene, results from a G to A substitution at nucleotide position 1796. The glycine at codon 599 is replaced by glutamic acid, an amino acid with similar properties. This amino acid position is conserved. In addition, the in silico prediction for this alteration is inconclusive. Based on the available evidence, the clinical significance of this variant remains unclear.

NM_001040108.2(MLH3):c.1796G>A (p.Gly599Glu)

Gene: MLH3 (mutL homolog 3; minus strand). Cytogenetic location: 14q24.3.
Variant type: single nucleotide variant.
Coding change: c.1796G>A on transcript NM_001040108.2 (MANE Select); coding-DNA position 1796, G replaced by A.
Protein change: p.Gly599Glu; replaces glycine 599 with glutamic acid.
Molecular consequence: missense variant.
Genome position (GRCh38, 1-based): chr14:75,047,860, C>T on the plus strand (G>A on the coding strand, the complement: MLH3 is on the minus strand). VCF-style: chr14-75047860-C-T. GRCh37 (hg19) VCF-style: chr14-75514563-C-T.
Other names: c.1796G>A, p.Gly599Glu (NM_014381.3); short protein forms G599E.
Identifiers: ClinVar variation 5024635 (VCV005024635.1).